The following is an entry in ClinVar:

ClinVar aggregate classification (germline): Uncertain significance. Review status: criteria provided, multiple submitters, no conflicts (2 of 4 stars). 2 submissions from 2 submitters: Uncertain significance (2). Last evaluated 2021-11-29.

Conditions:
Congenital contractural arachnodactyly (CCA). Also called: Beals-Hecht syndrome; Arthrogryposis, distal, type 9; BEALS SYNDROME. Identifiers: Orphanet 115, MedGen C0220668, MONDO:0007363, OMIM 121050.
Familial thoracic aortic aneurysm and aortic dissection (TAAD). Also called: Thoracic aortic aneurysms and dissections. Identifiers: Orphanet 91387, MedGen C4707243, MONDO:0019625.

Submissions (2):

Ambry Genetics
Classification: Uncertain significance for Familial thoracic aortic aneurysm and aortic dissection. Last evaluated: 2021-11-29. Review status: criteria provided, single submitter. Criteria: Ambry Variant Classification Scheme 2023. Collection method: clinical testing. Allele origin: germline.
Comment: The p.S1626I variant (also known as c.4877G>T), located in coding exon 37 of the FBN2 gene, results from a G to T substitution at nucleotide position 4877. The serine at codon 1626 is replaced by isoleucine, an amino acid with dissimilar properties. This amino acid position is highly conserved in available vertebrate species. In addition, the in silico prediction for this alteration is inconclusive. Since supporting evidence is limited at this time, the clinical significance of this alteration remains unclear.

Labcorp Genetics (formerly Invitae), Labcorp
Classification: Uncertain significance for Congenital contractural arachnodactyly. Last evaluated: 2021-04-04. Review status: criteria provided, single submitter. Criteria: Invitae Variant Classification Sherloc (09022015). Collection method: clinical testing. Allele origin: germline.
Comment: This variant is not present in population databases (ExAC no frequency). This sequence change replaces serine with isoleucine at codon 1626 of the FBN2 protein (p.Ser1626Ile). The serine residue is highly conserved and there is a large physicochemical difference between serine and isoleucine. This variant has not been reported in the literature in individuals with FBN2-related conditions. In summary, the available evidence is currently insufficient to determine the role of this variant in disease. Therefore, it has been classified as a Variant of Uncertain Significance. Algorithms developed to predict the effect of missense changes on protein structure and function (SIFT, PolyPhen-2, Align-GVGD) all suggest that this variant is likely to be disruptive, but these predictions have not been confirmed by published functional studies and their clinical significance is uncertain.

NM_001999.4(FBN2):c.4877G>T (p.Ser1626Ile)

Gene: FBN2 (fibrillin 2; minus strand). Cytogenetic location: 5q23.3.
Variant type: single nucleotide variant.
Coding change: c.4877G>T on transcript NM_001999.4 (MANE Select); coding-DNA position 4877, G replaced by T.
Protein change: p.Ser1626Ile; replaces serine 1626 with isoleucine.
Molecular consequence: missense variant.
Genome position (GRCh38, 1-based): chr5:128,312,636, C>A on the plus strand (G>T on the coding strand, the complement: FBN2 is on the minus strand). VCF-style: chr5-128312636-C-A. GRCh37 (hg19) VCF-style: chr5-127648328-C-A.
Other names: short protein forms S1626I.
Identifiers: ClinVar variation 1523123 (VCV001523123.10), dbSNP rs1403929477, ClinGen allele CA360746480.
Genomic context (GRCh38, chr5:128,312,636, plus strand): 5'-GGCAACAAATCTTTAGATACCAGTTGGTTTTCTTCCTCTTCTTCAGCTTTGTACTTACTG[C>A]TATTGACAGGGGGGCATGTCTCACAGGGGTTTCCCCAGGCCTTTCCCAGAGAGCAGCAGC-3'
Protein context (NP_001990.2, residues 1616-1636): NPCETCPPVN[Ser1626Ile]TEYYTLCPGG